The following is an entry in ClinVar:

ClinVar aggregate classification (germline): Uncertain significance (1 of 4 stars; one submission).

Conditions:
Hereditary cancer-predisposing syndrome. Also called: Neoplastic Syndromes, Hereditary; Tumor predisposition; Hereditary Cancer Syndrome; Hereditary neoplastic syndrome. Identifiers: Orphanet 140162, MedGen C0027672, MeSH D009386, MONDO:0015356.

Allele frequency attached by ClinVar (database versions not stated): gnomAD exomes 0.00001.
gnomAD v4.1: 6 of 1,613,418 alleles (0.00037%); highest among the groups gnomAD compares: Non-Finnish European, 0.00051%; no homozygotes.

Submission:

Ambry Genetics
Classification: Uncertain significance for Hereditary cancer-predisposing syndrome. Last evaluated: 2019-11-23. Review status: criteria provided, single submitter. Criteria: Ambry Variant Classification Scheme 2023. Collection method: clinical testing. Allele origin: germline.
Comment: The p.D738E variant (also known as c.2214T>A), located in coding exon 16 of the TSC1 gene, results from a T to A substitution at nucleotide position 2214. The aspartic acid at codon 738 is replaced by glutamic acid, an amino acid with highly similar properties. This amino acid position is highly conserved in available vertebrate species. In addition, the in silico prediction for this alteration is inconclusive. Since supporting evidence is limited at this time, the clinical significance of this alteration remains unclear.

NM_000368.5(TSC1):c.2214T>A (p.Asp738Glu)

Gene: TSC1 (TSC complex subunit 1; minus strand). Cytogenetic location: 9q34.13.
Variant type: single nucleotide variant.
Coding change: c.2214T>A on transcript NM_000368.5 (MANE Select); coding-DNA position 2214, T replaced by A.
Protein change: p.Asp738Glu; replaces aspartic acid 738 with glutamic acid.
Molecular consequence: missense variant.
Genome position (GRCh38, 1-based): chr9:132,902,782, A>T on the plus strand (T>A on the coding strand, the complement: TSC1 is on the minus strand). VCF-style: chr9-132902782-A-T. GRCh37 (hg19) VCF-style: chr9-135778169-A-T.
Other names: c.2211T>A, p.Asp737Glu (NM_001162426.2); c.2061T>A, p.Asp687Glu (NM_001162427.2); c.1851T>A, p.Asp617Glu (NM_001362177.2); short protein forms D687E, D737E, D738E, D617E.
Identifiers: ClinVar variation 820904 (VCV000820904.4), dbSNP rs1588302102, ClinGen allele CA375360130.